The following is an entry in ClinVar:

ClinVar aggregate classification (germline): Conflicting classifications of pathogenicity. Review status: criteria provided, conflicting classifications (1 of 4 stars). 3 submissions from 3 submitters: Likely pathogenic (2); Uncertain significance (1). Last evaluated 2024-02-24.

Conditions:
Infantile neuroaxonal dystrophy (NBIA2A). Also called: Infantile neuroaxonal dystrophy 1; SEITELBERGER DISEASE; NEURODEGENERATION WITH BRAIN IRON ACCUMULATION 2A. Identifiers: Orphanet 35069, MedGen C0270724, MONDO:0024457, OMIM 256600.
Iron accumulation in brain. Identifiers: MedGen C4021076, HP:0012675.

Submissions (3):

Labcorp Genetics (formerly Invitae), Labcorp
Classification: Uncertain significance for Infantile neuroaxonal dystrophy. Last evaluated: 2024-02-24. Review status: criteria provided, single submitter. Criteria: Invitae Variant Classification Sherloc (09022015). Collection method: clinical testing. Allele origin: germline.
Comment: This sequence change replaces proline, which is neutral and non-polar, with serine, which is neutral and polar, at codon 660 of the PLA2G6 protein (p.Pro660Ser). This variant is not present in population databases (gnomAD no frequency). This variant has not been reported in the literature in individuals affected with PLA2G6-related conditions. ClinVar contains an entry for this variant (Variation ID: 159751). Advanced modeling of protein sequence and biophysical properties (such as structural, functional, and spatial information, amino acid conservation, physicochemical variation, residue mobility, and thermodynamic stability) performed at Invitae indicates that this missense variant is expected to disrupt PLA2G6 protein function with a positive predictive value of 80%. In summary, the available evidence is currently insufficient to determine the role of this variant in disease. Therefore, it has been classified as a Variant of Uncertain Significance.

GeneDx
Classification: Likely pathogenic. Last evaluated: 2023-05-09. Review status: criteria provided, single submitter. Criteria: GeneDx Variant Classification Process June 2021. Collection method: clinical testing. Allele origin: germline. Affected: yes.
Comment: Has not been previously published as pathogenic or benign to our knowledge; In silico analysis supports that this missense variant has a deleterious effect on protein structure/function; Not observed at significant frequency in large population cohorts (gnomAD)

Genetic Services Laboratory, University of Chicago
Classification: Likely pathogenic for iron accumulation in brain. Last evaluated: 2013-02-08. Review status: criteria provided, single submitter. Criteria: ACMG Guidelines, 2007. Collection method: clinical testing. Allele origin: germline. Inheritance: Autosomal recessive inheritance. Affected: yes.

NM_003560.4(PLA2G6):c.1978C>T (p.Pro660Ser)

Gene: PLA2G6 (phospholipase A2 group VI; minus strand). Cytogenetic location: 22q13.1.
Variant type: single nucleotide variant.
Coding change: c.1978C>T on transcript NM_003560.4 (MANE Select); coding-DNA position 1978, C replaced by T.
Protein change: p.Pro660Ser; replaces proline 660 with serine.
Molecular consequence: missense variant.
Genome position (GRCh38, 1-based): chr22:38,115,583, G>A on the plus strand (C>T on the coding strand, the complement: PLA2G6 is on the minus strand). VCF-style: chr22-38115583-G-A. GRCh37 (hg19) VCF-style: chr22-38511590-G-A.
Other names: c.1816C>T, p.Pro606Ser (NM_001004426.3, NM_001199562.3, NM_001349865.2 and 1 more transcripts); c.1978C>T, p.Pro660Ser (NM_001349864.2); c.1444C>T, p.Pro482Ser (NM_001349867.2); c.1300C>T, p.Pro434Ser (NM_001349868.2); c.1282C>T, p.Pro428Ser (NM_001349869.2); short protein forms P660S, P606S, P482S, P428S, P434S.
Identifiers: ClinVar variation 159751 (VCV000159751.13), dbSNP rs587784341, ClinGen allele CA173239.
Genomic context (GRCh38, chr22:38,115,583, plus strand): 5'-TCACCTTGCGGATCAGGTCCTGATTGTACTCATGGATCTCGGTCATGGCATCCAGCGTGG[G>A]GTTGTTGGCCAGCAGCCCACCGTCCAGGAAGCGCCCATTGGGTCGGAAGTAAGTAGGAGC-3'
Protein context (NP_003551.2, residues 650-670): FLDGGLLANN[Pro660Ser]TLDAMTEIHE